The following is an entry in ClinVar:

NM_001843.4(CNTN1):c.1315A>G (p.Lys439Glu)

Gene: CNTN1 (contactin 1; plus strand). Cytogenetic location: 12q12.
Variant type: single nucleotide variant.
Coding change: c.1315A>G on transcript NM_001843.4 (MANE Select); coding-DNA position 1315, A replaced by G.
Protein change: p.Lys439Glu; replaces lysine 439 with glutamic acid.
Molecular consequence: missense variant.
Genome position (GRCh38, 1-based): chr12:40,939,421, A>G. VCF-style: chr12-40939421-A-G. GRCh37 (hg19) VCF-style: chr12-41333223-A-G.
Other names: c.1315A>G, p.Lys439Glu (NM_001256063.2, NM_001256064.2); c.1282A>G, p.Lys428Glu (NM_175038.2); short protein forms K428E, K439E.
Identifiers: ClinVar variation 665623 (VCV000665623.6), dbSNP rs748101740, ClinGen allele CA6516833.

ClinVar aggregate classification (germline): Uncertain significance (1 of 4 stars; one submission).

Conditions:
Compton-North congenital myopathy (CMYO12). Identifiers: Orphanet 210163, MedGen C2675527, MONDO:0012929, OMIM 612540.

Allele frequency attached by ClinVar (database versions not stated): gnomAD below 0.00001 and 0.00001; gnomAD exomes 0.00001 and 0.00002; ExAC 0.00003.
gnomAD v4.1: 16 of 1,613,812 alleles (0.00099%); highest among the groups gnomAD compares: South Asian, 0.016%; no homozygotes.

Submission:

Labcorp Genetics (formerly Invitae), Labcorp
Classification: Uncertain significance for Compton-North congenital myopathy. Last evaluated: 2022-07-06. Review status: criteria provided, single submitter. Criteria: Invitae Variant Classification Sherloc (09022015). Collection method: clinical testing. Allele origin: germline.
Comment: This sequence change replaces lysine, which is basic and polar, with glutamic acid, which is acidic and polar, at codon 439 of the CNTN1 protein (p.Lys439Glu). This variant is present in population databases (rs748101740, gnomAD 0.02%). This variant has not been reported in the literature in individuals affected with CNTN1-related conditions. ClinVar contains an entry for this variant (Variation ID: 665623). Advanced modeling of protein sequence and biophysical properties (such as structural, functional, and spatial information, amino acid conservation, physicochemical variation, residue mobility, and thermodynamic stability) performed at Invitae indicates that this missense variant is not expected to disrupt CNTN1 protein function. In summary, the available evidence is currently insufficient to determine the role of this variant in disease. Therefore, it has been classified as a Variant of Uncertain Significance.